The following is an entry in ClinVar:

ClinVar aggregate classification (germline): Uncertain significance (1 of 4 stars; one submission).

Conditions:
Hereditary pancreatitis (PCTT). Also called: Hereditary chronic pancreatitis; PRSS1-Related Hereditary Pancreatitis. Identifiers: Orphanet 676, MedGen C0238339, MONDO:0008185, OMIM 167800.

gnomAD v4.1: 1 of 1,613,906 alleles (0.000062%); highest among the groups gnomAD compares: Non-Finnish European, 0.000085%; no homozygotes.

Submission:

Ambry Genetics
Classification: Uncertain significance for Hereditary pancreatitis. Last evaluated: 2024-09-15. Review status: criteria provided, single submitter. Criteria: Ambry Variant Classification Scheme 2023. Collection method: clinical testing. Allele origin: germline.
Comment: The p.W113R variant (also known as c.337T>C), located in coding exon 4 of the CTRC gene, results from a T to C substitution at nucleotide position 337. The tryptophan at codon 113 is replaced by arginine, an amino acid with dissimilar properties. This amino acid position is conserved. In addition, this alteration is predicted to be deleterious by in silico analysis. Based on the available evidence, the clinical significance of this variant remains unclear.

NM_007272.3(CTRC):c.337T>C (p.Trp113Arg)

Gene: CTRC (chymotrypsin C; plus strand). Cytogenetic location: 1p36.21.
Variant type: single nucleotide variant.
Coding change: c.337T>C on transcript NM_007272.3 (MANE Select); coding-DNA position 337, T replaced by C.
Protein change: p.Trp113Arg; replaces tryptophan 113 with arginine.
Molecular consequence: missense variant.
Genome position (GRCh38, 1-based): chr1:15,442,553, T>C. VCF-style: chr1-15442553-T-C. GRCh37 (hg19) VCF-style: chr1-15769049-T-C.
Other names: short protein forms W113R.
Identifiers: ClinVar variation 3498404 (VCV003498404.1).